The following is an entry in ClinVar:

ClinVar aggregate classification (germline): Uncertain significance (1 of 4 stars; one submission).

Submission:

GeneDx
Classification: Uncertain significance. Last evaluated: 2024-05-10. Review status: criteria provided, single submitter. Criteria: GeneDx Variant Classification Process June 2021. Collection method: clinical testing. Allele origin: germline. Affected: yes.
Comment: Not observed at significant frequency in large population cohorts (gnomAD); In silico analysis supports a deleterious effect on protein structure/function; Has not been previously published as pathogenic or benign to our knowledge

NM_001244008.2(KIF1A):c.1815_1817delinsACG (p.His605_Pro606delinsGlnArg)

Gene: KIF1A (kinesin family member 1A; minus strand). Cytogenetic location: 2q37.3.
Variant type: Indel.
Coding change: c.1815_1817delinsACG on transcript NM_001244008.2 (MANE Select); coding-DNA positions 1815 to 1817, CCC replaced by ACG.
Protein change: p.His605_Pro606delinsGlnArg.
Molecular consequence: missense variant.
Genome position (GRCh38, 1-based): chr2:240,763,298-240,763,300, GGG replaced by CGT on the plus strand (CCC replaced by ACG on the coding strand, the reverse complement: KIF1A is on the minus strand). VCF-style: chr2-240763298-GGG-CGT. GRCh37 (hg19) VCF-style: chr2-241702715-GGG-CGT.
Other names: c.1815_1817delinsACG, p.His605_Pro606delinsGlnArg (NM_001320705.2, NM_001330289.2, NM_001379638.1); c.1890_1892delinsACG, p.His630_Pro631delinsGlnArg (NM_001330290.2, NM_001379631.1, NM_001379634.1 and 2 more transcripts); c.1788_1790delinsACG, p.His596_Pro597delinsGlnArg (NM_001379632.1, NM_001379633.1, NM_001379636.1 and 10 more transcripts); c.1863_1865delinsACG, p.His621_Pro622delinsGlnArg (NM_001379637.1, NM_001379648.1).
Identifiers: ClinVar variation 3375697 (VCV003375697.1).
Genomic context (GRCh38, chr2:240,763,298, plus strand): 5'-ACAGGCTCAGCTGGCGTCTCCGCACAAGGCGTGCGCTCACGCTCCTGCCGGGCCTGCTCG[GGG>CGT]TGGTTGAACCGGAACACATGGCTCTTACCCATGATGATGCGGTTTCCTGGGGAACAGAGG-3'